The following is an entry in ClinVar:

NM_001916.5(CYC1):c.259C>T (p.Leu87=)

Gene: CYC1 (cytochrome c1; plus strand). Cytogenetic location: 8q24.3.
Variant type: single nucleotide variant.
Coding change: c.259C>T on transcript NM_001916.5 (MANE Select); coding-DNA position 259, C replaced by T.
Protein change: p.Leu87=; no amino-acid change (leucine 87 retained).
Molecular consequence: synonymous variant.
Genome position (GRCh38, 1-based): chr8:144,095,962, C>T. VCF-style: chr8-144095962-C-T. GRCh37 (hg19) VCF-style: chr8-145150865-C-T.
Identifiers: ClinVar variation 734427 (VCV000734427.10), dbSNP rs2230226, ClinGen allele CA4933318.

ClinVar aggregate classification (germline): Likely benign. Review status: criteria provided, single submitter (1 of 4 stars). 2 submissions from 2 submitters: Likely benign (1). 1 of the submissions does not count toward it. Last evaluated 2024-03-16.

Conditions:
CYC1-related disorder. Also called: CYC1-related condition.

Allele frequency attached by ClinVar (database versions not stated): TOPMed 0.00011; 1000 Genomes Project 30x 0.00016; 1000 Genomes Project 0.00020.

Submissions (2):

Labcorp Genetics (formerly Invitae), Labcorp
Classification: Likely benign. Last evaluated: 2024-03-16. Review status: criteria provided, single submitter. Criteria: Invitae Variant Classification Sherloc (09022015). Collection method: clinical testing. Allele origin: germline.

PreventionGenetics, part of Exact Sciences
Classification: Likely benign for CYC1-related condition. Last evaluated: 2019-10-23. Review status: no assertion criteria provided. Collection method: clinical testing. Allele origin: germline. Not counted in ClinVar's aggregate classification.
Comment: This variant is classified as likely benign based on ACMG/AMP sequence variant interpretation guidelines (Richards et al. 2015 PMID: 25741868, with internal and published modifications).